The following is an entry in ClinVar:

NC_000008.11:g.(?_99096302)_(99136762_?)del

Gene: VPS13B (vacuolar protein sorting 13 homolog B; plus strand). Cytogenetic location: 8q22.2.
Variant type: Deletion.
Identifiers: ClinVar variation 832379 (VCV000832379.5).

ClinVar aggregate classification (germline): Pathogenic (1 of 4 stars; one submission).

Conditions:
Cohen syndrome (COH1). Also called: Cutis verticis gyrata, retinitis pigmentosa, and sensorineural deafness; PEPPER SYNDROME. Identifiers: Orphanet 193, MedGen C0265223, MONDO:0008999, OMIM 216550.

Submission:

Labcorp Genetics (formerly Invitae), Labcorp
Classification: Pathogenic for Cohen syndrome. Last evaluated: 2019-04-17. Review status: criteria provided, single submitter. Criteria: Invitae Variant Classification Sherloc (09022015). Collection method: clinical testing. Allele origin: germline.
Comment: This variant has not been reported in the literature in individuals with VPS13B-related conditions. This variant is an out-of-frame deletion of the genomic region encompassing exons 4-12 of the VPS13B gene. This is expected to create a premature translational stop signal and result in an absent or disrupted protein product. Loss-of-function variants in VPS13B are known to be pathogenic (PMID: 15141358, 16648375, 20461111). For these reasons, this variant has been classified as Pathogenic.

Literature cited by the submitters: PubMed 15141358; PubMed 16648375; PubMed 20461111.